The following is an entry in ClinVar:

ClinVar aggregate classification (germline): Benign/Likely benign. Review status: criteria provided, multiple submitters, no conflicts (2 of 4 stars). 6 submissions from 6 submitters: Benign (1); Likely benign (5). Last evaluated 2026-01-13.

Conditions:
Noonan syndrome and Noonan-related syndrome. Identifiers: Orphanet 98733, MedGen C5681679, MONDO:0020297.
Cardiovascular phenotype. Identifiers: MedGen CN230736.
RASopathy. Also called: rasopathies; Noonan spectrum disorder. Identifiers: Orphanet 536391, MedGen C5555857, MONDO:0021060.

Allele frequency attached by ClinVar (database versions not stated): ExAC 0.00003; gnomAD exomes 0.00004; gnomAD 0.00006 and 0.00007; TOPMed 0.00011.
gnomAD v4.1: 78 of 1,613,810 alleles (0.0048%); highest among the groups gnomAD compares: African/African-American, 0.012%; no homozygotes.

Submissions (6):

Labcorp Genetics (formerly Invitae), Labcorp
Classification: Likely benign for RASopathy. Last evaluated: 2026-01-13. Review status: criteria provided, single submitter. Criteria: Invitae Variant Classification Sherloc (09022015). Collection method: clinical testing. Allele origin: germline.

Blueprint Genetics
Classification: Likely benign. Last evaluated: 2024-11-25. Review status: criteria provided, single submitter. Criteria: ACMG Guidelines, 2015. Collection method: clinical testing. Allele origin: germline.

Ambry Genetics
Classification: Likely benign for Cardiovascular phenotype. Last evaluated: 2022-03-21. Review status: criteria provided, single submitter. Criteria: Ambry Variant Classification Scheme 2023. Collection method: clinical testing. Allele origin: germline.

Genome Diagnostics Laboratory, The Hospital for Sick Children
Classification: Likely benign for Noonan syndrome and Noonan-related syndrome. Last evaluated: 2020-03-01. Review status: criteria provided, single submitter. Criteria: ACMG Guidelines, 2015. Collection method: clinical testing. Allele origin: germline.

GeneDx
Classification: Benign. Last evaluated: 2015-04-23. Review status: criteria provided, single submitter. Criteria: GeneDx Variant Classification Process June 2021. Collection method: clinical testing. Allele origin: germline. Affected: yes.

Laboratory for Molecular Medicine, Mass General Brigham Personalized Medicine
Classification: Likely benign. Last evaluated: 2012-02-16. Review status: criteria provided, single submitter. Criteria: LMM Criteria. Collection method: clinical testing. Allele origin: germline. Observed: 4 variant alleles.
Comment: Arg362Arg in exon 8 or BRAF: This variant is not expected to have clinical signi ficance because it does not alter an amino acid residue, is not located within t he splice consensus sequence, has been identified in 0.03% (1/3738) of African A merican chromosomes from a broad population by the NHLBI Exome Sequencing Projec t (dbSNP rs149230176).

NM_004333.6(BRAF):c.1084C>A (p.Arg362=)

Genes: BRAF (B-Raf proto-oncogene, serine/threonine kinase; minus strand), LOC126860202 (BRD4-independent group 4 enhancer GRCh37_chr7:140493623-140494822; plus strand). Cytogenetic location: 7q34.
Variant type: single nucleotide variant.
Coding change: c.1084C>A on transcript NM_004333.6 (MANE Select); coding-DNA position 1084, C replaced by A.
Protein change: p.Arg362=; no amino-acid change (arginine 362 retained).
Molecular consequence: synonymous variant.
Genome position (GRCh38, 1-based): chr7:140,794,364, G>T on the plus strand (C>A on the coding strand, the complement: BRAF is on the minus strand). VCF-style: chr7-140794364-G-T. GRCh37 (hg19) VCF-style: chr7-140494164-G-T.
Other names: c.1084C>A, p.Arg362= (NM_001354609.2, NM_001374244.1, NM_001374258.1 and 4 more transcripts); c.1093C>A, p.Arg365= (NM_001378467.1); c.982C>A, p.Arg328= (NM_001378470.1); c.928C>A, p.Arg310= (NM_001378472.1, NM_001378473.1); c.820C>A, p.Arg274= (NM_001378475.1).
Identifiers: ClinVar variation 44794 (VCV000044794.19), dbSNP rs397516885, ClinGen allele CA135046.